The following is an entry in ClinVar:

ClinVar aggregate classification (germline): Uncertain significance (1 of 4 stars; one submission).

Conditions:
Nonsyndromic genetic hearing loss. Also called: Nonsyndromic hearing loss and deafness; Nonsyndromic genetic deafness; Non-syndromic genetic deafness. Identifiers: Orphanet 87884, MedGen C5680182, MONDO:0019497.

gnomAD v4.1: 7 of 1,547,598 alleles (0.00045%); highest among the groups gnomAD compares: Non-Finnish European, 0.00061%; no homozygotes.

Submission:

Molecular Genetics, Royal Melbourne Hospital
Classification: Uncertain significance for Nonsyndromic genetic hearing loss. Last evaluated: 2022-03-03. Review status: criteria provided, single submitter. Criteria: ACMG Guidelines, 2015. Collection method: clinical testing. Allele origin: germline. Affected: yes.
Comment: This sequence change in MYO7A is an intronic variant located in intron 37. This variant is absent from gnomAD v2.1 and v3.1. To our knowledge, this variant has not been reported in the literature in any individuals with MYO7A-related disease. The results from multiple in silico splicing predictors (SpliceAI, MaxEntScan) support neither a deleterious nor benign impact on the acceptor splice site of intron 37 of MYO7A. Based on the classification scheme RMH Modified ACMG Guidelines v1.5.1, this variant is classified as a VARIANT OF UNCERTAIN SIGNIFICANCE. Following criteria are met: PM2_Supporting.

NM_000260.4(MYO7A):c.5169-6C>A

Gene: MYO7A (myosin VIIA; plus strand). Cytogenetic location: 11q13.5.
Variant type: single nucleotide variant.
Coding change: c.5169-6C>A on transcript NM_000260.4 (MANE Select); 6 bases into the intron before coding-DNA position 5169, C replaced by A.
Molecular consequence: intron variant.
Genome position (GRCh38, 1-based): chr11:77,203,054, C>A. VCF-style: chr11-77203054-C-A. GRCh37 (hg19) VCF-style: chr11-76914099-C-A.
Other names: c.5022-6C>A (NM_001369365.1); c.5055-6C>A (NM_001127180.2).
Identifiers: ClinVar variation 3068632 (VCV003068632.1), dbSNP rs768594224, ClinGen allele CA2573051250.
Genomic context (GRCh38, chr11:77,203,054, plus strand): 5'-ACCTGGGGGTTTCTCCCCGGGGCTGCCAGCGATGGGGCGTTGCTGACGGTCCCTGTGCTG[C>A]GGCAGGCCCCCACCCAAGCACACGCTGAGCCGTGTCATGGTGTCCAAGGCCCGAGGCAAG-3'